The following is an entry in ClinVar:

ClinVar aggregate classification (germline): Uncertain significance (1 of 4 stars; one submission).

Submission:

GeneDx
Classification: Uncertain significance. Last evaluated: 2024-07-05. Review status: criteria provided, single submitter. Criteria: GeneDx Variant Classification Process June 2021. Collection method: clinical testing. Allele origin: germline. Affected: yes.
Comment: Not observed at significant frequency in large population cohorts (gnomAD); In silico analysis supports that this missense variant has a deleterious effect on protein structure/function; Has not been previously published as pathogenic or benign to our knowledge

NM_078480.3(PUF60):c.1415C>G (p.Pro472Arg)

Gene: PUF60 (poly(U) binding splicing factor 60; minus strand). Cytogenetic location: 8q24.3.
Variant type: single nucleotide variant.
Coding change: c.1415C>G on transcript NM_078480.3 (MANE Select); coding-DNA position 1415, C replaced by G.
Protein change: p.Pro472Arg; replaces proline 472 with arginine.
Molecular consequence: missense variant.
Genome position (GRCh38, 1-based): chr8:143,816,785, G>C on the plus strand (C>G on the coding strand, the complement: PUF60 is on the minus strand). VCF-style: chr8-143816785-G-C. GRCh37 (hg19) VCF-style: chr8-144898955-G-C.
Other names: c.1286C>G, p.Pro429Arg (NM_001136033.3); c.1361C>G, p.Pro454Arg (NM_001271096.2); c.1277C>G, p.Pro426Arg (NM_001271097.2); c.1412C>G, p.Pro471Arg (NM_001271098.2); c.1328C>G, p.Pro443Arg (NM_001271099.2); c.1235C>G, p.Pro412Arg (NM_001271100.2); c.1526C>G, p.Pro509Arg (NM_001362895.2, NM_001362896.2); c.1475C>G, p.Pro492Arg (NM_001362897.2); and 1 more; short protein forms P412R, P455R, P492R, P426R, P443R, P471R, P429R, P454R.
Identifiers: ClinVar variation 3393718 (VCV003393718.1).